The following is an entry in ClinVar:

NC_012920.1(MT-CO1):m.6554C>T

Gene: MT-CO1 (mitochondrially encoded cytochrome c oxidase I; plus strand).
Variant type: single nucleotide variant.
Genome position: chrM-6554-C-T.
Identifiers: ClinVar variation 235548 (VCV000235548.3), dbSNP rs878853064, ClinGen allele CA10581353.

ClinVar aggregate classification (germline): Uncertain significance (1 of 4 stars; one submission).

Submission:

Center for Pediatric Genomic Medicine, Children's Mercy Hospital and Clinics
Classification: Uncertain significance. Last evaluated: 2014-11-04. Review status: criteria provided, single submitter. Criteria: ACMG Guidelines, 2015. Collection method: clinical testing. Allele origin: germline.
ClinVar note: Converted during submission from Uncertain Significance to Uncertain significance.